The following is an entry in ClinVar:

ClinVar aggregate classification (germline): Likely benign (0 of 4 stars; one submission).

Conditions:
NCOA1-related disorder. Also called: NCOA1-related condition.

gnomAD v4.1: 5 of 1,613,386 alleles (0.00031%); highest among the groups gnomAD compares: African/African-American, 0.0013%; no homozygotes.

Submission:

PreventionGenetics, part of Exact Sciences
Classification: Likely benign for NCOA1-related condition. Last evaluated: 2024-03-06. Review status: no assertion criteria provided. Collection method: clinical testing. Allele origin: germline.
Comment: This variant is classified as likely benign based on ACMG/AMP sequence variant interpretation guidelines (Richards et al. 2015 PMID: 25741868, with internal and published modifications).

NM_003743.5(NCOA1):c.3219G>A (p.Arg1073=)

Gene: NCOA1 (nuclear receptor coactivator 1; plus strand). Cytogenetic location: 2p23.3.
Variant type: single nucleotide variant.
Coding change: c.3219G>A on transcript NM_003743.5 (MANE Select); coding-DNA position 3219, G replaced by A.
Protein change: p.Arg1073=; no amino-acid change (arginine 1073 retained).
Molecular consequence: synonymous variant.
Genome position (GRCh38, 1-based): chr2:24,739,449, G>A. VCF-style: chr2-24739449-G-A. GRCh37 (hg19) VCF-style: chr2-24962318-G-A.
Other names: c.3219G>A, p.Arg1073= (NM_001362950.1, NM_001362952.1, NM_001362954.1 and 3 more transcripts).
Identifiers: ClinVar variation 3349282 (VCV003349282.1).